The following is an entry in ClinVar:

ClinVar aggregate classification (germline): Uncertain significance (1 of 4 stars; one submission).

Conditions:
Hereditary cancer-predisposing syndrome. Also called: Neoplastic Syndromes, Hereditary; Tumor predisposition; Hereditary Cancer Syndrome; Hereditary neoplastic syndrome. Identifiers: Orphanet 140162, MedGen C0027672, MeSH D009386, MONDO:0015356.

Allele frequency attached by ClinVar (database versions not stated): gnomAD exomes below 0.00001; TOPMed below 0.00001.
gnomAD v4.1: 1 of 1,611,240 alleles (0.000062%); highest among the groups gnomAD compares: Non-Finnish European, 0.000085%; no homozygotes.

Submission:

Ambry Genetics
Classification: Uncertain significance for Hereditary cancer-predisposing syndrome. Last evaluated: 2022-04-03. Review status: criteria provided, single submitter. Criteria: Ambry Variant Classification Scheme 2023. Collection method: clinical testing. Allele origin: germline.
Comment: The p.P215A variant (also known as c.643C>G), located in coding exon 4 of the NTHL1 gene, results from a C to G substitution at nucleotide position 643. The proline at codon 215 is replaced by alanine, an amino acid with highly similar properties. This amino acid position is conserved. In addition, the in silico prediction for this alteration is inconclusive. Since supporting evidence is limited at this time, the clinical significance of this alteration remains unclear.

NM_002528.7(NTHL1):c.619C>G (p.Pro207Ala)

Gene: NTHL1 (nth like DNA glycosylase 1; minus strand). Cytogenetic location: 16p13.3.
Variant type: single nucleotide variant.
Coding change: c.619C>G on transcript NM_002528.7 (MANE Select); coding-DNA position 619, C replaced by G.
Protein change: p.Pro207Ala; replaces proline 207 with alanine.
Molecular consequence: missense variant.
Genome position (GRCh38, 1-based): chr16:2,043,633, G>C on the plus strand (C>G on the coding strand, the complement: NTHL1 is on the minus strand). VCF-style: chr16-2043633-G-C. GRCh37 (hg19) VCF-style: chr16-2093634-G-C.
Other names: c.448C>G, p.Pro150Ala (NM_001318193.2); c.289C>G, p.Pro97Ala (NM_001318194.2); short protein forms P97A, P150A, P207A.
Identifiers: ClinVar variation 1753528 (VCV001753528.2), dbSNP rs1483329605, ClinGen allele CA394291405.